The following is an entry in ClinVar:

NM_015602.4(TOR1AIP1):c.301G>A (p.Glu101Lys)

Genes: TOR1AIP1 (torsin 1A interacting protein 1; plus strand), LOC112577517 (Sharpr-MPRA regulatory region 13766; plus strand). Cytogenetic location: 1q25.2.
Variant type: single nucleotide variant.
Coding change: c.301G>A on transcript NM_015602.4 (MANE Select); coding-DNA position 301, G replaced by A.
Protein change: p.Glu101Lys; replaces glutamic acid 101 with lysine.
Molecular consequence: missense variant.
Genome position (GRCh38, 1-based): chr1:179,882,803, G>A. VCF-style: chr1-179882803-G-A. GRCh37 (hg19) VCF-style: chr1-179851938-G-A.
Other names: c.301G>A (NM_015602.2); c.301G>A, p.Glu101Lys (NM_001267578.2); short protein forms E101K.
Identifiers: ClinVar variation 476283 (VCV000476283.6), dbSNP rs376720897, ClinGen allele CA1268711.

ClinVar aggregate classification (germline): Uncertain significance. Review status: criteria provided, multiple submitters, no conflicts (2 of 4 stars). 2 submissions from 2 submitters: Uncertain significance (2). Last evaluated 2025-02-22.

Conditions:
Autosomal recessive limb-girdle muscular dystrophy type 2Y (MRRSDC). Also called: Muscular dystrophy, limb-girdle, type 2y; Muscular dystrophy, autosomal recessive, with rigid spine and distal joint contractures. Identifiers: Orphanet 424261, MedGen C4511482, MONDO:0014900, OMIM 617072.
Inborn genetic diseases. Identifiers: MedGen C0950123, MeSH D030342.

Allele frequency attached by ClinVar (database versions not stated): ExAC 0.00002; gnomAD 0.00005 and 0.00006; TOPMed 0.00012; ESP Exome Variant Server 0.00023.
gnomAD v4.1: 28 of 1,614,052 alleles (0.0017%); highest among the groups gnomAD compares: African/African-American, 0.035%; no homozygotes.

Submissions (2):

Ambry Genetics
Classification: Uncertain significance for Inborn genetic diseases. Last evaluated: 2025-02-22. Review status: criteria provided, single submitter. Criteria: Ambry Variant Classification Scheme 2023. Collection method: clinical testing. Allele origin: germline.

Labcorp Genetics (formerly Invitae), Labcorp
Classification: Uncertain significance for Autosomal recessive limb-girdle muscular dystrophy type 2Y. Last evaluated: 2024-01-19. Review status: criteria provided, single submitter. Criteria: Invitae Variant Classification Sherloc (09022015). Collection method: clinical testing. Allele origin: germline.
Comment: This sequence change replaces glutamic acid, which is acidic and polar, with lysine, which is basic and polar, at codon 101 of the TOR1AIP1 protein (p.Glu101Lys). This variant is present in population databases (rs376720897, gnomAD 0.02%). This variant has not been reported in the literature in individuals affected with TOR1AIP1-related conditions. ClinVar contains an entry for this variant (Variation ID: 476283). An algorithm developed to predict the effect of missense changes on protein structure and function (PolyPhen-2) suggests that this variant is likely to be disruptive. In summary, the available evidence is currently insufficient to determine the role of this variant in disease. Therefore, it has been classified as a Variant of Uncertain Significance.